The following is an entry in ClinVar:

ClinVar aggregate classification (germline): Uncertain significance (1 of 4 stars; one submission).

Submission:

GeneDx
Classification: Uncertain significance. Last evaluated: 2025-04-29. Review status: criteria provided, single submitter. Criteria: GeneDx Variant Classification Process June 2021. Collection method: clinical testing. Allele origin: germline.
Comment: Not observed at significant frequency in large population cohorts (gnomAD); In silico analysis supports that this missense variant has a deleterious effect on protein structure/function; Has not been previously published as pathogenic or benign to our knowledge

NM_004999.4(MYO6):c.1376G>C (p.Gly459Ala)

Gene: MYO6 (myosin VI; plus strand). Cytogenetic location: 6q14.1.
Variant type: single nucleotide variant.
Coding change: c.1376G>C on transcript NM_004999.4 (MANE Select); coding-DNA position 1376, G replaced by C.
Protein change: p.Gly459Ala; replaces glycine 459 with alanine.
Molecular consequence: missense variant. On other transcripts: non-coding transcript variant (1).
Genome position (GRCh38, 1-based): chr6:75,857,249, G>C. VCF-style: chr6-75857249-G-C. GRCh37 (hg19) VCF-style: chr6-76566966-G-C.
Other names: c.1376G>C, p.Gly459Ala (NM_001300899.2, NM_001368136.1, NM_001368137.1 and 2 more transcripts); c.1361G>C, p.Gly454Ala (NM_001368138.1); short protein forms G454A, G459A.
Identifiers: ClinVar variation 1800955 (VCV001800955.2), dbSNP rs1422756749, ClinGen allele CA364760224.